The following is an entry in ClinVar:

NM_152616.5(TRIM42):c.738C>T (p.Ile246=)

Gene: TRIM42 (tripartite motif containing 42; plus strand). Cytogenetic location: 3q23.
Variant type: single nucleotide variant.
Coding change: c.738C>T on transcript NM_152616.5 (MANE Select); coding-DNA position 738, C replaced by T.
Protein change: p.Ile246=; no amino-acid change (isoleucine 246 retained).
Molecular consequence: synonymous variant.
Genome position (GRCh38, 1-based): chr3:140,682,858, C>T. VCF-style: chr3-140682858-C-T. GRCh37 (hg19) VCF-style: chr3-140401700-C-T.
Identifiers: ClinVar variation 2654196 (VCV002654196.24), dbSNP rs1478377400, ClinGen allele CA436096778.

ClinVar aggregate classification (germline): Likely benign (1 of 4 stars; one submission).

Allele frequency attached by ClinVar (database versions not stated): gnomAD 0.00001; TOPMed 0.00002.
gnomAD v4.1: 3 of 1,614,062 alleles (0.00019%); highest among the groups gnomAD compares: Non-Finnish European, 0.00025%; no homozygotes.

Submission:

CeGaT Center for Human Genetics Tuebingen
Classification: Likely benign. Last evaluated: 2022-07-01. Review status: criteria provided, single submitter. Criteria: CeGaT Center For Human Genetics Tuebingen Variant Classification Criteria Version 2. Collection method: clinical testing. Allele origin: germline. Affected: yes. Observed: 1 variant allele.
Comment: TRIM42: BP4, BP7